The following is an entry in ClinVar:

NM_182943.3(PLOD2):c.58del (p.Trp20fs)

Gene: PLOD2 (procollagen-lysine,2-oxoglutarate 5-dioxygenase 2; minus strand). Cytogenetic location: 3q24.
Variant type: Deletion.
Coding change: c.58del on transcript NM_182943.3 (MANE Select); coding-DNA position 58, one base deleted (T; older notation c.58delT).
Protein change: p.Trp20fs; shifts the reading frame from tryptophan 20.
Molecular consequence: frameshift variant.
Genome position (GRCh38, 1-based): chr3:146,160,932, A deleted on the plus strand (T on the coding strand, the reverse complement: PLOD2 is on the minus strand). VCF-style (leftmost placement, unchanged base first): chr3-146160931-CA-C. GRCh37 (hg19) VCF-style: chr3-145878718-CA-C.
Other names: c.58del, p.Trp20fs (NM_000935.3); short protein forms W20fs.
Identifiers: ClinVar variation 3727774 (VCV003727774.2).

ClinVar aggregate classification (germline): Pathogenic (1 of 4 stars; one submission).

Submission:

Labcorp Genetics (formerly Invitae), Labcorp
Classification: Pathogenic. Last evaluated: 2024-12-22. Review status: criteria provided, single submitter. Criteria: Invitae Variant Classification Sherloc (09022015). Collection method: clinical testing. Allele origin: germline.
Comment: This sequence change creates a premature translational stop signal (p.Trp20Glyfs*21) in the PLOD2 gene. It is expected to result in an absent or disrupted protein product. Loss-of-function variants in PLOD2 are known to be pathogenic (PMID: 22689593, 25238597, 29178448). This variant is not present in population databases (gnomAD no frequency). This variant has not been reported in the literature in individuals affected with PLOD2-related conditions. For these reasons, this variant has been classified as Pathogenic.

Literature cited by the submitters: PubMed 22689593; PubMed 25238597; PubMed 29178448.